The following is an entry in ClinVar:

NM_018713.3(SLC30A10):c.1006C>T (p.His336Tyr)

Gene: SLC30A10 (solute carrier family 30 member 10; minus strand). Cytogenetic location: 1q41.
Variant type: single nucleotide variant.
Coding change: c.1006C>T on transcript NM_018713.3 (MANE Select); coding-DNA position 1006, C replaced by T.
Protein change: p.His336Tyr; replaces histidine 336 with tyrosine.
Molecular consequence: missense variant. On other transcripts: non-coding transcript variant (2).
Genome position (GRCh38, 1-based): chr1:219,915,901, G>A on the plus strand (C>T on the coding strand, the complement: SLC30A10 is on the minus strand). VCF-style: chr1-219915901-G-A. GRCh37 (hg19) VCF-style: chr1-220089243-G-A.
Other names: c.817C>T, p.His273Tyr (NM_001376929.1); short protein forms H336Y, H273Y.
Identifiers: ClinVar variation 375609 (VCV000375609.8), dbSNP rs770740586, ClinGen allele CA1399182.

ClinVar aggregate classification (germline): Conflicting classifications of pathogenicity. Review status: criteria provided, conflicting classifications (1 of 4 stars). 3 submissions from 3 submitters: Likely pathogenic (1); Uncertain significance (1). 1 of the submissions does not count toward it. Last evaluated 2024-09-05.

Conditions:
Hypermanganesemia with dystonia, polycythemia, and cirrhosis (HMNDYT1). Also called: Hypermanganesemia with Dystonia 1; Cirrhosis - dystonia - polycythemia - hypermanganesemia syndrome; Hepatic Cirrhosis, Dystonia, Polycythemia and Hypermanganesemia. Identifiers: Orphanet 309854, MedGen C2750442, MONDO:0013208, OMIM 613280.

Allele frequency attached by ClinVar (database versions not stated): gnomAD exomes below 0.00001; ExAC 0.00001.

Submissions (3):

Revvity Omics, Revvity
Classification: Likely pathogenic for Hypermanganesemia with dystonia, polycythemia, and cirrhosis. Last evaluated: 2024-09-05. Review status: criteria provided, single submitter. Criteria: ACMG Guidelines, 2015. Collection method: clinical testing. Allele origin: germline.

3billion
Classification: Uncertain significance for Hypermanganesemia with dystonia, polycythemia, and cirrhosis. Last evaluated: 2022-09-01. Review status: criteria provided, single submitter. Criteria: ACMG Guidelines, 2015. Collection method: clinical testing. Allele origin: germline. Affected: yes. Observed: 1 homozygote.
Comment: The variant is not observed in the gnomAD v2.1.1 dataset. In silico tool predictions suggest damaging effect of the variant on gene or gene product (REVEL: 0.60; 3Cnet: 0.47). Same nucleotide change resulting in same amino acid change has been previously reported to be associated with SLC30A10 -related disorder (ClinVar ID: VCV000375609 / PMID: 27117033). However, the evidence of pathogenicity is insufficient at this time. Therefore, this variant is classified as uncertain significance according to the recommendation of ACMG/AMP guideline.

GeneReviews
No classification provided. Condition: Hypermanganesemia with dystonia, polycythemia, and cirrhosis. Review status: no classification provided. Collection method: literature only. Allele origin: germline. Not counted in ClinVar's aggregate classification.

Literature cited by the submitters: PubMed 27117033 (cited by 3billion); NCBI Bookshelf NBK100241 (cited by GeneReviews).